The following is an entry in ClinVar:

ClinVar aggregate classification (germline): Uncertain significance (1 of 4 stars; one submission).

gnomAD v4.1: 2 of 1,596,838 alleles (0.00013%); highest among the groups gnomAD compares: Non-Finnish European, 0.00017%; no homozygotes.

Submission:

Labcorp Genetics (formerly Invitae), Labcorp
Classification: Uncertain significance. Last evaluated: 2023-10-18. Review status: criteria provided, single submitter. Criteria: Invitae Variant Classification Sherloc (09022015). Collection method: clinical testing. Allele origin: germline.
Comment: This sequence change replaces aspartic acid, which is acidic and polar, with glutamic acid, which is acidic and polar, at codon 1339 of the VCAN protein (p.Asp1339Glu). This variant is not present in population databases (gnomAD no frequency). This variant has not been reported in the literature in individuals affected with VCAN-related conditions. An algorithm developed to predict the effect of missense changes on protein structure and function (PolyPhen-2) suggests that this variant is likely to be disruptive. In summary, the available evidence is currently insufficient to determine the role of this variant in disease. Therefore, it has been classified as a Variant of Uncertain Significance.

NM_004385.5(VCAN):c.4017T>A (p.Asp1339Glu)

Genes: VCAN (versican; plus strand), VCAN-AS1 (VCAN antisense RNA 1; minus strand). Cytogenetic location: 5q14.3.
Variant type: single nucleotide variant.
Coding change: c.4017T>A on transcript NM_004385.5 (MANE Select); coding-DNA position 4017, T replaced by A.
Protein change: p.Asp1339Glu; replaces aspartic acid 1339 with glutamic acid.
Molecular consequence: missense variant. On other transcripts: intron variant (2).
Genome position (GRCh38, 1-based): chr5:83,537,020, T>A. VCF-style: chr5-83537020-T-A. GRCh37 (hg19) VCF-style: chr5-82832839-T-A.
Other names: c.1056T>A, p.Asp352Glu (NM_001164097.2); c.4004-8517T>A (NM_001164098.2); c.1043-8517T>A (NM_001126336.3); short protein forms D352E, D1339E.
Identifiers: ClinVar variation 2770007 (VCV002770007.3), dbSNP rs147989415, ClinGen allele CA360307317.